The following is an entry in ClinVar:

NM_004357.5(CD151):c.588C>G (p.Asp196Glu)

Gene: CD151 (CD151 molecule (Raph blood group); plus strand). Cytogenetic location: 11p15.5.
Variant type: single nucleotide variant.
Coding change: c.588C>G on transcript NM_004357.5 (MANE Select); coding-DNA position 588, C replaced by G.
Protein change: p.Asp196Glu; replaces aspartic acid 196 with glutamic acid.
Molecular consequence: missense variant.
Genome position (GRCh38, 1-based): chr11:837,591, C>G. VCF-style: chr11-837591-C-G. GRCh37 (hg19) VCF-style: chr11-837591-C-G.
Other names: c.588C>G, p.Asp196Glu (NM_001039490.2, NM_139029.2, NM_139030.4); short protein forms D196E.
Identifiers: ClinVar variation 4804295 (VCV004804295.1).

ClinVar aggregate classification (germline): Uncertain significance (1 of 4 stars; one submission).

gnomAD v4.1: 1 of 1,612,710 alleles (0.000062%); highest among the groups gnomAD compares: Admixed American, 0.0017%; no homozygotes.

Submission:

Labcorp Genetics (formerly Invitae), Labcorp
Classification: Uncertain significance. Last evaluated: 2025-12-02. Review status: criteria provided, single submitter. Criteria: Invitae Variant Classification Sherloc (09022015). Collection method: clinical testing. Allele origin: germline.
Comment: This sequence change replaces aspartic acid, which is acidic and polar, with glutamic acid, which is acidic and polar, at codon 196 of the CD151 protein (p.Asp196Glu). This variant is present in population databases (no rsID available, gnomAD 0.003%). This variant has not been reported in the literature in individuals affected with CD151-related conditions. An algorithm developed to predict the effect of missense changes on protein structure and function (PolyPhen-2) suggests that this variant is likely to be tolerated. In summary, the available evidence is currently insufficient to determine the role of this variant in disease. Therefore, it has been classified as a Variant of Uncertain Significance.